The following is an entry in ClinVar:

ClinVar aggregate classification (germline): Uncertain significance (1 of 4 stars; one submission).

Submission:

Ambry Genetics
Classification: Uncertain significance. Last evaluated: 2023-03-16. Review status: criteria provided, single submitter. Criteria: Ambry Variant Classification Scheme 2023. Collection method: clinical testing. Allele origin: germline.
Comment: The p.Y807H variant (also known as c.2419T>C), located in coding exon 16 of the MYOM1 gene, results from a T to C substitution at nucleotide position 2419. The tyrosine at codon 807 is replaced by histidine, an amino acid with similar properties. This amino acid position is conserved. In addition, this alteration is predicted to be deleterious by in silico analysis. Since supporting evidence is limited at this time, the clinical significance of this alteration remains unclear.

NM_003803.4(MYOM1):c.2419T>C (p.Tyr807His)

Gene: MYOM1 (myomesin 1; minus strand). Cytogenetic location: 18p11.31.
Variant type: single nucleotide variant.
Coding change: c.2419T>C on transcript NM_003803.4 (MANE Select); coding-DNA position 2419, T replaced by C.
Protein change: p.Tyr807His; replaces tyrosine 807 with histidine.
Molecular consequence: missense variant.
Genome position (GRCh38, 1-based): chr18:3,131,462, A>G on the plus strand (T>C on the coding strand, the complement: MYOM1 is on the minus strand). VCF-style: chr18-3131462-A-G. GRCh37 (hg19) VCF-style: chr18-3131460-A-G.
Other names: c.2419T>C, p.Tyr807His (NM_019856.2); short protein forms Y807H.
Identifiers: ClinVar variation 2562733 (VCV002562733.2), dbSNP rs2510627764, ClinGen allele CA401711408.